The following is an entry in ClinVar:

NM_000179.3(MSH6):c.868_869delinsA (p.Leu290fs)

Gene: MSH6 (mutS homolog 6; plus strand). Cytogenetic location: 2p16.3.
Variant type: Indel.
Coding change: c.868_869delinsA on transcript NM_000179.3 (MANE Select); coding-DNA positions 868 to 869, CT replaced by A.
Protein change: p.Leu290fs; shifts the reading frame from leucine 290.
Molecular consequence: frameshift variant. On other transcripts: 5 prime UTR variant (9), non-coding transcript variant (4), intron variant (1).
Genome position (GRCh38, 1-based): chr2:47,798,851-47,798,852, CT replaced by A. VCF-style: chr2-47798851-CT-A. GRCh37 (hg19) VCF-style: chr2-48025990-CT-A.
Other names: c.478_479delinsA, p.Leu160fs (NM_001281492.2); c.-39_-38delinsA (NM_001281493.2, NM_001281494.2, NM_001406811.1 and 6 more transcripts); c.964_965delinsA, p.Leu322fs (NM_001406795.1, NM_001406802.1); c.868_869delinsA, p.Leu290fs (NM_001406796.1, NM_001406798.1, NM_001406800.1 and 4 more transcripts); c.571_572delinsA, p.Leu191fs (NM_001406797.1, NM_001406801.1, NM_001406805.1 and 10 more transcripts); c.343_344delinsA, p.Leu115fs (NM_001406799.1, NM_001406806.1, NM_001406807.1); c.790_791delinsA, p.Leu264fs (NM_001406804.1); c.874_875delinsA, p.Leu292fs (NM_001406813.1); and 2 more; short protein forms L115fs, L160fs, L191fs, L234fs, L264fs, L290fs, L292fs, L322fs.
Identifiers: ClinVar variation 3387057 (VCV003387057.1).

ClinVar aggregate classification (germline): Pathogenic (1 of 4 stars; one submission).

Conditions:
Lynch syndrome. Identifiers: Orphanet 144, MedGen C4552100, MONDO:0005835. Disease mechanism: loss of function.

Submission:

All of Us Research Program, National Institutes of Health
Classification: Pathogenic for Lynch syndrome. Last evaluated: 2024-03-24. Review status: criteria provided, single submitter. Criteria: ACMG Guidelines, 2015. Collection method: clinical testing. Allele origin: germline. Inheritance: Autosomal dominant inheritance. Observed: 1 variant allele, 1 heterozygote.
Comment: This variant deletes 2 nucleotides and inserts 1 new nucleotide in exon 4 of the MSH6 gene, creating a frameshift and premature translation stop signal. This variant is expected to result in an absent or non-functional protein product. To our knowledge, this variant has not been reported in individuals affected with MSH6-related disorders in the literature. This variant has not been identified in the general population by the Genome Aggregation Database (gnomAD). Loss of MSH6 function is a known mechanism of disease. Based on the available evidence, this variant is classified as Pathogenic.

This study involves interpretation of variants in research participants for the purpose of population health screening. Participant phenotype was not available at the time of variant classification. Additional details can be found in publication PMID: 35346344, PMCID: PMC8962531